The following is an entry in ClinVar:

ClinVar aggregate classification (germline): Uncertain significance (1 of 4 stars; one submission).

Submission:

GeneDx
Classification: Uncertain significance. Last evaluated: 2022-12-08. Review status: criteria provided, single submitter. Criteria: GeneDx Variant Classification Process June 2021. Collection method: clinical testing. Allele origin: germline. Affected: yes.
Comment: Not observed at significant frequency in large population cohorts (gnomAD); In silico analysis supports that this missense variant does not alter protein structure/function; Has not been previously published as pathogenic or benign to our knowledge

NM_015338.6(ASXL1):c.2042C>G (p.Pro681Arg)

Gene: ASXL1 (ASXL transcriptional regulator 1; plus strand). Cytogenetic location: 20q11.21.
Variant type: single nucleotide variant.
Coding change: c.2042C>G on transcript NM_015338.6 (MANE Select); coding-DNA position 2042, C replaced by G.
Protein change: p.Pro681Arg; replaces proline 681 with arginine.
Molecular consequence: missense variant.
Genome position (GRCh38, 1-based): chr20:32,434,754, C>G. VCF-style: chr20-32434754-C-G. GRCh37 (hg19) VCF-style: chr20-31022557-C-G.
Other names: c.1859C>G, p.Pro620Arg (NM_001363734.1); short protein forms P620R, P681R.
Identifiers: ClinVar variation 2504888 (VCV002504888.1), dbSNP rs2145361451, ClinGen allele CA408558839.